The following is an entry in ClinVar:

NM_001122955.4(BSCL2):c.882C>G (p.Phe294Leu)

Genes: BSCL2 (BSCL2 lipid droplet biogenesis associated, seipin; minus strand), HNRNPUL2-BSCL2 (HNRNPUL2-BSCL2 readthrough (NMD candidate); minus strand). Cytogenetic location: 11q12.3.
Variant type: single nucleotide variant.
Coding change: c.882C>G on transcript NM_001122955.4 (MANE Select); coding-DNA position 882, C replaced by G.
Protein change: p.Phe294Leu; replaces phenylalanine 294 with leucine.
Molecular consequence: missense variant. On other transcripts: non-coding transcript variant (1), intron variant (1).
Genome position (GRCh38, 1-based): chr11:62,691,403, G>C on the plus strand (C>G on the coding strand, the complement: BSCL2 is on the minus strand). VCF-style: chr11-62691403-G-C. GRCh37 (hg19) VCF-style: chr11-62458875-G-C.
Other names: c.882C>G, p.Phe294Leu (NM_001386027.1, NM_001386028.1); c.690C>G, p.Phe230Leu (NM_032667.6); c.672-262C>G (NM_001130702.2); short protein forms F230L, F294L.
Identifiers: ClinVar variation 188189 (VCV000188189.8), dbSNP rs786204131, ClinGen allele CA334271.

ClinVar aggregate classification (germline): Uncertain significance (1 of 4 stars; one submission).

Conditions:
Charcot-Marie-Tooth disease type 2. Also called: Charcot-Marie-Tooth type 2. Identifiers: Orphanet 64746, MedGen C0270914, MONDO:0018993.

Submission:

Labcorp Genetics (formerly Invitae), Labcorp
Classification: Uncertain significance for Charcot-Marie-Tooth disease type 2. Last evaluated: 2014-10-29. Review status: criteria provided, single submitter. Criteria: Invitae Variant Classification Sherloc (09022015). Collection method: clinical testing. Allele origin: germline.
Comment: This sequence change replaces phenylalanine with leucine at codon 230 of the BSCL2 protein (p.Phe230Leu). The phenylalanine residue is highly conserved and there is a small physicochemical difference between phenylalanine and leucine. In summary, this is a novel missense change with uncertain impact on protein function. Although there is no indication that this sequence change causes disease, the evidence is insufficient at this time to prove that conclusively. Therefore, it has been classified as a Variant of Uncertain Significance. This sequence change has not been published in the literature and is not present in population databases. Algorithms developed to predict the effect of missense changes on protein structure and function do not agree on the potential impact of this missense change (SIFT: "deleterious"; PolyPhen-2: “possibly damaging”; Align-GVGD: "Class C0").